The following is an entry in ClinVar:

ClinVar aggregate classification (germline): Uncertain significance. Review status: criteria provided, multiple submitters, no conflicts (2 of 4 stars). 3 submissions from 3 submitters: Uncertain significance (2). 1 of the submissions does not count toward it. Last evaluated 2024-11-07.

Conditions:
Inborn genetic diseases. Identifiers: MedGen C0950123, MeSH D030342.
SCAPER-related disorder. Also called: SCAPER-related condition.

Allele frequency attached by ClinVar (database versions not stated): gnomAD 0.00003; TOPMed 0.00006; ExAC 0.00007; gnomAD exomes 0.00008.
gnomAD v4.1: 122 of 1,613,388 alleles (0.0076%); highest among the groups gnomAD compares: Non-Finnish European, 0.008%; 1 homozygote.

Submissions (3):

Blueprint Genetics
Classification: Uncertain significance. Last evaluated: 2024-11-07. Review status: criteria provided, single submitter. Criteria: ACMG Guidelines, 2015. Collection method: clinical testing. Allele origin: germline.

Ambry Genetics
Classification: Uncertain significance for Inborn genetic diseases. Last evaluated: 2024-09-18. Review status: criteria provided, single submitter. Criteria: Ambry Variant Classification Scheme 2023. Collection method: clinical testing. Allele origin: germline.

PreventionGenetics, part of Exact Sciences
Classification: Uncertain significance for SCAPER-related condition. Last evaluated: 2024-08-07. Review status: no assertion criteria provided. Collection method: clinical testing. Allele origin: germline. Not counted in ClinVar's aggregate classification.
Comment: The SCAPER c.689A>G variant is predicted to result in the amino acid substitution p.His230Arg. To our knowledge, this variant has not been reported in the literature. This variant is reported in 0.039% of alleles in individuals of Ashkenazi Jewish descent in gnomAD. Although we suspect that this variant may be benign, at this time, the clinical significance of this variant is uncertain due to the absence of conclusive functional and genetic evidence.

NM_020843.4(SCAPER):c.689A>G (p.His230Arg)

Gene: SCAPER (S-phase cyclin A associated protein in the ER; minus strand). Cytogenetic location: 15q24.3.
Variant type: single nucleotide variant.
Coding change: c.689A>G on transcript NM_020843.4 (MANE Select); coding-DNA position 689, A replaced by G.
Protein change: p.His230Arg; replaces histidine 230 with arginine.
Molecular consequence: missense variant. On other transcripts: 5 prime UTR variant (1), non-coding transcript variant (1).
Genome position (GRCh38, 1-based): chr15:76,795,363, T>C on the plus strand (A>G on the coding strand, the complement: SCAPER is on the minus strand). VCF-style: chr15-76795363-T-C. GRCh37 (hg19) VCF-style: chr15-77087704-T-C.
Other names: c.-209A>G (NM_001145923.2); c.689A>G, p.His230Arg (NM_001353009.2); c.287A>G, p.His96Arg (NM_001353010.2, NM_001353011.2, NM_001353012.2); c.689A>G (NM_001353009.1); short protein forms H230R, H96R.
Identifiers: ClinVar variation 3158296 (VCV003158296.4), dbSNP rs777491258, ClinGen allele CA7675128.